The following is an entry in ClinVar:

NM_000443.4(ABCB4):c.672C>A (p.Ser224Arg)

Gene: ABCB4 (ATP binding cassette subfamily B member 4; minus strand). Cytogenetic location: 7q21.12.
Variant type: single nucleotide variant.
Coding change: c.672C>A on transcript NM_000443.4 (MANE Select); coding-DNA position 672, C replaced by A.
Protein change: p.Ser224Arg; replaces serine 224 with arginine.
Molecular consequence: missense variant.
Genome position (GRCh38, 1-based): chr7:87,451,659, G>T on the plus strand (C>A on the coding strand, the complement: ABCB4 is on the minus strand). VCF-style: chr7-87451659-G-T. GRCh37 (hg19) VCF-style: chr7-87080975-G-T.
Other names: c.672C>A, p.Ser224Arg (NM_018849.3, NM_018850.3); short protein forms S224R.
Identifiers: ClinVar variation 4846617 (VCV004846617.1).

ClinVar aggregate classification (germline): Uncertain significance (1 of 4 stars; one submission).

Conditions:
Familial intrahepatic cholestasis. Identifiers: Orphanet 284385, MedGen CN296401, MONDO:0017290.

Submission:

Genomenon, Inc
Classification: Uncertain significance for Familial intrahepatic cholestasis. Last evaluated: 2026-04-14. Review status: criteria provided, single submitter. Criteria: Genomenon Sequence Variant Interpretation Standards - Updated. Collection method: curation. Allele origin: germline. Affected: yes.
Comment: ABCB4 p.Ser224Arg (c.672C>A) is a missense variant that changes the amino acid at residue 224 from Serine to Arginine. This variant has been observed in at least one proband with an ABCB4-related disorder (PMID:29761167). It is absent or not present at a significant frequency in gnomAD. In silico models predict that this variant is possibly or probably damaging. In conclusion, we classify ABCB4 p.Ser224Arg (c.672C>A) as a variant of uncertain significance.

Literature cited by the submitters: PubMed 29761167.